The following is an entry in ClinVar:

NM_199242.3(UNC13D):c.1992+6G>A

Gene: UNC13D (unc-13 homolog D; minus strand). Cytogenetic location: 17q25.1.
Variant type: single nucleotide variant.
Coding change: c.1992+6G>A on transcript NM_199242.3 (MANE Select); 6 bases into the intron after coding-DNA position 1992, G replaced by A.
Molecular consequence: intron variant.
Genome position (GRCh38, 1-based): chr17:75,834,914, C>T on the plus strand (G>A on the coding strand, the complement: UNC13D is on the minus strand). VCF-style: chr17-75834914-C-T. GRCh37 (hg19) VCF-style: chr17-73830995-C-T.
Identifiers: ClinVar variation 1338116 (VCV001338116.4), dbSNP rs2143876724, ClinGen allele CA2566697416.
Genomic context (GRCh38, chr17:75,834,914, plus strand): 5'-AGAAACGGTGGGTGGTAGTGTGGCTGTTCTAGAAAGAGGGGGAAGGACACGTGGAAGATG[C>T]CGCACCTCCACAAACTTGACGGTAATCATGAAGGCCTCCTCTGGGTCTGGCCAGTCCAGC-3'

ClinVar aggregate classification (germline): Uncertain significance (1 of 4 stars; one submission).

Submission:

Genetic Services Laboratory, University of Chicago
Classification: Uncertain significance. Last evaluated: 2021-10-12. Review status: criteria provided, single submitter. Criteria: ACMG Guidelines, 2015. Collection method: clinical testing. Allele origin: germline. Affected: no.
Comment: DNA sequence analysis of the UNC13D gene demonstrated a sequence change in intron 21, c.1992+6G>A. This change does not appear to have been previously described in individuals with UNC13D -related disorders and has also not been described in the population databases such as ExAC and gnomAD. This sequence change is not predicted to have a deleterious effect on splicing based on in-silico splice prediction programs. It is possible that this sequence change represents a benign sequence change in the UNC13D gene that has not been identified to date. The functional significance of this sequence change is not known at present and its contribution to this individual's disease phenotype cannot definitively be determined.